The following is an entry in ClinVar:

NM_001029.5(RPS26):c.4-1_6del

Gene: RPS26 (ribosomal protein S26; plus strand). Cytogenetic location: 12q13.2.
Variant type: Deletion.
Coding change: c.4-1_6del on transcript NM_001029.5 (MANE Select); the canonical splice acceptor site of the intron before coding-DNA position 4 through coding-DNA position 6, 4 bases deleted (GACA; older notation c.4-1_6delGACA).
Molecular consequence: splice acceptor variant.
Genome position (GRCh38, 1-based): chr12:56,042,424-56,042,427, GACA deleted; deleting any 4 consecutive bases within chr12:56,042,422-56,042,427 gives the same sequence; the c. name uses the placement nearest the transcript's 3' end. VCF-style (leftmost placement, unchanged base first): chr12-56042421-GCAGA-G. GRCh37 (hg19) VCF-style: chr12-56436205-GCAGA-G.
Identifiers: ClinVar variation 2697519 (VCV002697519.3), dbSNP rs2540722756, ClinGen allele CA2697559296.

ClinVar aggregate classification (germline): Pathogenic (1 of 4 stars; one submission).

Conditions:
Diamond-Blackfan anemia 10 (DBA10). Also called: RPS26-Related Diamond-Blackfan Anemia. Identifiers: Orphanet 124, MedGen C2750080, MONDO:0013217, OMIM 613309.

Submission:

Labcorp Genetics (formerly Invitae), Labcorp
Classification: Pathogenic for Diamond-Blackfan anemia 10. Last evaluated: 2024-08-29. Review status: criteria provided, single submitter. Criteria: Invitae Variant Classification Sherloc (09022015). Collection method: clinical testing. Allele origin: germline.
Comment: This variant results in the deletion of part of exon 2 (c.4-1_6del) of the RPS26 gene. It is expected to disrupt RNA splicing. Variants that disrupt the donor or acceptor splice site typically lead to a loss of protein function (PMID: 16199547), and loss-of-function variants in RPS26 are known to be pathogenic (PMID: 20116044, 23718193). This variant is not present in population databases (gnomAD no frequency). This variant has been observed in individual(s) with clinical features of RPS26-related conditions (internal data). In at least one individual the variant was observed to be de novo. For these reasons, this variant has been classified as Pathogenic.

Literature cited by the submitters: PubMed 16199547; PubMed 20116044; PubMed 23718193.